The following is an entry in ClinVar:

ClinVar aggregate classification (germline): Uncertain significance. Review status: criteria provided, multiple submitters, no conflicts (2 of 4 stars). 2 submissions from 2 submitters: Uncertain significance (2). Last evaluated 2025-12-19.

Conditions:
Inborn genetic diseases. Identifiers: MedGen C0950123, MeSH D030342.
Epidermolysis bullosa simplex with nail dystrophy (EBS5D). Identifiers: MedGen C4225309, MONDO:0014661, OMIM 616487.
Autosomal recessive limb-girdle muscular dystrophy type 2Q (LGMDR17). Also called: MUSCULAR DYSTROPHY, LIMB-GIRDLE, AUTOSOMAL RECESSIVE 17. Identifiers: Orphanet 254361, MedGen C3150989, MONDO:0013390, OMIM 613723.
Epidermolysis bullosa simplex 5C, with pyloric atresia (EBS5C). Also called: PLEC1-Related Epidermolysis Bullosa with Pyloric Atresia; PLEC-Related Epidermolysis Bullosa with Pyloric Atresia; Epidermolysis bullosa simplex with pyloric atresia. Identifiers: Orphanet 158684, MedGen C2677349, MONDO:0012807, OMIM 612138.
Epidermolysis bullosa simplex 5B, with muscular dystrophy (EBS5B). Also called: Epidermolysis bullosa simplex with muscular dystrophy; EPIDERMOLYSIS BULLOSA SIMPLEX AND LIMB-GIRDLE MUSCULAR DYSTROPHY. Identifiers: Orphanet 257, MedGen C2931072, MONDO:0009181, OMIM 226670.
Epidermolysis bullosa simplex, Ogna type (EBS5A). Also called: EPIDERMOLYSIS BULLOSA SIMPLEX 5A, OGNA TYPE; Pidermolysis bullosa simplex 5A, Ogna type. Identifiers: Orphanet 79401, MedGen C0432317, MONDO:0007555, OMIM 131950.

Allele frequency attached by ClinVar (database versions not stated): gnomAD 0.00003.
gnomAD v4.1: 19 of 1,544,914 alleles (0.0012%); highest among the groups gnomAD compares: Middle Eastern, 0.021%; no homozygotes.

Submissions (2):

Labcorp Genetics (formerly Invitae), Labcorp
Classification: Uncertain significance for Autosomal recessive limb-girdle muscular dystrophy type 2Q; Epidermolysis bullosa simplex, Ogna type; Epidermolysis bullosa simplex with nail dystrophy; Epidermolysis bullosa simplex 5C, with pyloric atresia; Epidermolysis bullosa simplex 5B, with muscular dystrophy. Last evaluated: 2025-12-19. Review status: criteria provided, single submitter. Criteria: Invitae Variant Classification Sherloc (09022015). Collection method: clinical testing. Allele origin: germline.
Comment: This sequence change replaces tyrosine, which is neutral and polar, with serine, which is neutral and polar, at codon 4549 of the PLEC protein (p.Tyr4549Ser). This variant is present in population databases (no rsID available, gnomAD 0.02%). This variant has not been reported in the literature in individuals affected with PLEC-related conditions. ClinVar contains an entry for this variant (Variation ID: 2952663). Invitae Evidence Modeling of protein sequence and biophysical properties (such as structural, functional, and spatial information, amino acid conservation, physicochemical variation, residue mobility, and thermodynamic stability) indicates that this missense variant is not expected to disrupt PLEC protein function with a negative predictive value of 80%. In summary, the available evidence is currently insufficient to determine the role of this variant in disease. Therefore, it has been classified as a Variant of Uncertain Significance.

Ambry Genetics
Classification: Uncertain significance for Inborn genetic diseases. Last evaluated: 2024-01-03. Review status: criteria provided, single submitter. Criteria: Ambry Variant Classification Scheme 2023. Collection method: clinical testing. Allele origin: germline.

NM_201384.3(PLEC):c.13565A>C (p.Tyr4522Ser)

Gene: PLEC (plectin; minus strand). Cytogenetic location: 8q24.3.
Variant type: single nucleotide variant.
Coding change: c.13565A>C on transcript NM_201384.3 (MANE Select); coding-DNA position 13565, A replaced by C.
Protein change: p.Tyr4522Ser; replaces tyrosine 4522 with serine.
Molecular consequence: missense variant.
Genome position (GRCh38, 1-based): chr8:143,916,256, T>G on the plus strand (A>C on the coding strand, the complement: PLEC is on the minus strand). VCF-style: chr8-143916256-T-G. GRCh37 (hg19) VCF-style: chr8-144990424-T-G.
Other names: c.13646A>C, p.Tyr4549Ser (NM_000445.5); c.10265A>C, p.Tyr3422Ser (NM_001410941.1); c.13523A>C, p.Tyr4508Ser (NM_201378.4); c.13499A>C, p.Tyr4500Ser (NM_201379.3); c.13976A>C, p.Tyr4659Ser (NM_201380.4); c.13469A>C, p.Tyr4490Ser (NM_201381.3); c.13565A>C, p.Tyr4522Ser (NM_201382.4); c.13577A>C, p.Tyr4526Ser (NM_201383.3); and 1 more; short protein forms Y4508S, Y4522S, Y4526S, Y4659S, Y4549S, Y3422S, Y4490S, Y4500S.
Identifiers: ClinVar variation 2952663 (VCV002952663.4), dbSNP rs1313708722, ClinGen allele CA372473741.